The following is an entry in ClinVar:

NM_014915.3(ANKRD26):c.2414C>G (p.Ala805Gly)

Gene: ANKRD26 (ankyrin repeat domain containing 26; minus strand). Cytogenetic location: 10p12.1.
Variant type: single nucleotide variant.
Coding change: c.2414C>G on transcript NM_014915.3 (MANE Select); coding-DNA position 2414, C replaced by G.
Protein change: p.Ala805Gly; replaces alanine 805 with glycine.
Molecular consequence: missense variant.
Genome position (GRCh38, 1-based): chr10:27,038,016, G>C on the plus strand (C>G on the coding strand, the complement: ANKRD26 is on the minus strand). VCF-style: chr10-27038016-G-C. GRCh37 (hg19) VCF-style: chr10-27326945-G-C.
Other names: c.2411C>G, p.Ala804Gly (NM_001256053.2); short protein forms A804G, A805G.
Identifiers: ClinVar variation 3360750 (VCV003360750.1).

ClinVar aggregate classification (germline): Uncertain significance (1 of 4 stars; one submission).

gnomAD v4.1: 16 of 1,611,532 alleles (0.00099%); highest among the groups gnomAD compares: African/African-American, 0.016%; no homozygotes.

Submission:

GeneDx
Classification: Uncertain significance. Last evaluated: 2023-07-06. Review status: criteria provided, single submitter. Criteria: GeneDx Variant Classification Process June 2021. Collection method: clinical testing. Allele origin: germline. Affected: yes.
Comment: In silico analysis supports that this missense variant has a deleterious effect on protein structure/function; Has not been previously published as pathogenic or benign to our knowledge